The following is an entry in ClinVar:

NM_014727.3(KMT2B):c.5277-19G>A

Gene: KMT2B (lysine methyltransferase 2B; plus strand). Cytogenetic location: 19q13.12.
Variant type: single nucleotide variant.
Coding change: c.5277-19G>A on transcript NM_014727.3 (MANE Select); 19 bases into the intron before coding-DNA position 5277, G replaced by A.
Molecular consequence: intron variant.
Genome position (GRCh38, 1-based): chr19:35,730,688, G>A. VCF-style: chr19-35730688-G-A. GRCh37 (hg19) VCF-style: chr19-36221589-G-A.
Identifiers: ClinVar variation 1599669 (VCV001599669.11), dbSNP rs150436811, ClinGen allele CA9385371.

ClinVar aggregate classification (germline): Benign/Likely benign. Review status: criteria provided, multiple submitters, no conflicts (2 of 4 stars). 4 submissions from 4 submitters: Benign (2); Likely benign (2). Last evaluated 2026-04-05.

Allele frequency attached by ClinVar (database versions not stated): 1000 Genomes Project 30x 0.00016; 1000 Genomes Project 0.00020; ExAC 0.00045; gnomAD 0.00056 and 0.00058; gnomAD exomes 0.00056 and 0.00121; TOPMed 0.00063; ESP Exome Variant Server 0.00129.
gnomAD v4.1: 1,838 of 1,613,904 alleles (0.11%); highest among the groups gnomAD compares: Non-Finnish European, 0.15%; 2 homozygotes.

Submissions (4):

Women's Health and Genetics/Laboratory Corporation of America, LabCorp
Classification: Likely benign. Last evaluated: 2026-04-05. Review status: criteria provided, single submitter. Criteria: LabCorp Variant Classification Summary - May 2015. Collection method: clinical testing. Allele origin: germline.
Comment: Variant summary: KMT2B c.5277-19G>A alters a non-conserved nucleotide located at a position not widely known to affect splicing. Consensus agreement among computation tools predict no significant impact on normal splicing. However, these predictions have yet to be confirmed by functional studies. The variant allele was found at a frequency of 0.00056 in 248968 control chromosomes. This frequency is not significantly higher than estimated for disease-causing variants in KMT2B, allowing no conclusion about variant significance. To our knowledge, no occurrence of c.5277-19G>A in individuals affected with KMT2B-related conditions and no experimental evidence demonstrating its impact on protein function have been reported. ClinVar contains an entry for this variant (Variation ID: 1599669). Based on the evidence outlined above, the variant was classified as likely benign.

Labcorp Genetics (formerly Invitae), Labcorp
Classification: Benign. Last evaluated: 2025-11-16. Review status: criteria provided, single submitter. Criteria: Invitae Variant Classification Sherloc (09022015). Collection method: clinical testing. Allele origin: germline.

Blueprint Genetics
Classification: Likely benign. Last evaluated: 2024-09-23. Review status: criteria provided, single submitter. Criteria: ACMG Guidelines, 2015. Collection method: clinical testing. Allele origin: germline.

Breakthrough Genomics
Classification: Benign. Review status: criteria provided, single submitter. Criteria: ACMG Guidelines, 2015. Collection method: not provided. Allele origin: germline. Inheritance: Autosomal dominant inheritance. Affected: yes.